The following is an entry in ClinVar:

NM_001242896.3(DEPDC5):c.3563+1G>C

Gene: DEPDC5 (DEP domain containing 5, GATOR1 subcomplex subunit; plus strand). Cytogenetic location: 22q12.3.
Variant type: single nucleotide variant.
Coding change: c.3563+1G>C on transcript NM_001242896.3 (MANE Select); the canonical splice donor site of the intron after coding-DNA position 3563, G replaced by C.
Molecular consequence: splice donor variant.
Genome position (GRCh38, 1-based): chr22:31,873,333, G>C. VCF-style: chr22-31873333-G-C. GRCh37 (hg19) VCF-style: chr22-32269319-G-C.
Other names: c.3563+1G>C (NM_001364318.2); c.3536+1G>C (NM_001136029.4); c.3470+1G>C (NM_014662.6, NM_001369903.1); c.3497+1G>C (NM_001363852.2, NM_001364320.2); c.3329+1G>C (NM_001363854.2, NM_001364319.2); c.3263+1G>C (NM_001242897.2); c.3479+1G>C (NM_001369902.1, NM_001369901.1).
Identifiers: ClinVar variation 566892 (VCV000566892.15), dbSNP rs1261611694, ClinGen allele CA411277517.
Genomic context (GRCh38, chr22:31,873,333, plus strand): 5'-AAGCTCCTTGACCTCATCCTCTACCCTGACAGAGATCCTGGAAGCCATGAAGCACCCCTC[G>C]TAAGTGGCTCACCACAGTGTAGGGTTGGAAGGTTCCCAGAAGCCTGTGCCACAGCCATGT-3'

ClinVar aggregate classification (germline): Conflicting classifications of pathogenicity. Review status: criteria provided, conflicting classifications (1 of 4 stars). 3 submissions from 3 submitters: Likely pathogenic (1); Uncertain significance (2). Last evaluated 2026-02-13.

Conditions:
Familial focal epilepsy with variable foci (FPEVF). Identifiers: Orphanet 98820, MedGen C1858477, MONDO:0020310.
Epilepsy, familial focal, with variable foci 1 (FFEVF1). Also called: DEPDC5-Related Epilepsy. Identifiers: MedGen C4551983, MONDO:0024556, OMIM 604364.

Submissions (3):

GeneDx
Classification: Uncertain significance. Last evaluated: 2026-02-13. Review status: criteria provided, single submitter. Criteria: GeneDx Variant Classification Process June 2021. Collection method: clinical testing. Allele origin: germline. Affected: yes.
Comment: Previously reported in a proband from a cohort of individuals with epilepsy; however detailed clinical information was not provided (PMID: 31440721); Not observed at significant frequency in large population cohorts (gnomAD); Canonical splice site variant with an unclear effect on protein function; This variant is associated with the following publications: (PMID: 23542701, 23542697, 28492532, 31440721)

Victorian Clinical Genetics Services, Murdoch Childrens Research Institute
Classification: Uncertain significance for Epilepsy, familial focal, with variable foci 1. Last evaluated: 2025-12-21. Review status: criteria provided, single submitter. Criteria: ACMG Guidelines, 2015. Collection method: clinical testing. Allele origin: germline. Affected: yes.
Comment: This variant is classified as VUS-3B. Evidence in support of pathogenic classification: Canonical splice site variant without proven consequence on splicing (no functional evidence available); Variant is present in gnomAD <0.01 (v4: 46 heterozygote(s), 0 homozygote(s)); Other splice variant(s) comparable to the one identified in this case have moderate previous evidence for pathogenicity. c.3563+1G>A has been classified as likely pathogenic and as a VUS by clinical laboratories in ClinVar. c.3563+1G>A has also been reported in a large epilepsy cohort, and an autism cohort (PMID: 31440721, 37595579). Additionally, 3563+4A>G has been reported in the literature in an individual with seizures, mild ID, ataxia, and dysarthria (PMID: 30093711); Abnormal splicing is predicted by in silico tool and affected nucleotide is highly conserved. Additional information: This variant is heterozygous; This gene is associated with both recessive and dominant disease. Familial focal epilepsy with variable foci 1 (MIM#604364) is autosomal dominant, while developmental and epileptic encephalopathy 111 (MIM#620504) is autosomal recessive; Alternative nucleotide change(s) at the same canonical splice site are present in gnomAD (highest allele count: v4: 6 heterozygote(s), 0 homozygote(s)); Previous evidence of pathogenicity for this variant is inconclusive. This variant has been classified as likely pathogenic and as a VUS by clinical laboratories in ClinVar, and reported in the literature in a large epilepsy cohort (PMID: 31440721). It has also been classified as a VUS in an individual with cognitive impairment, dysmorphism, and sleep disturbances (DECIPHER); No published functional evidence has been identified for this variant; Loss of function is a known mechanism of disease in this gene and is associated with familial focal epilepsy with variable foci 1 (MIM#604364) and developmental and epileptic encephalopathy 111 (MIM#620504); The condition associated with this gene has incomplete penetrance. Unaffected individuals with pathogenic familial variants are commonly reported, with penetrance estimated to be between 66% and 70% (PMIDs: 30767899, 32848577); Variants in this gene are known to have variable expressivity. Disease presentation in affected individuals is known to vary considerably even within the same family, from mild febrile seizures to severe focal epilepsy with cortical malformations (PMIDs: 27066554, 32848577).

Labcorp Genetics (formerly Invitae), Labcorp
Classification: Likely pathogenic for Familial focal epilepsy with variable foci. Last evaluated: 2025-02-09. Review status: criteria provided, single submitter. Criteria: Invitae Variant Classification Sherloc (09022015). Collection method: clinical testing. Allele origin: germline.
Comment: This sequence change affects a donor splice site in intron 35 of the DEPDC5 gene. It is expected to disrupt RNA splicing. Variants that disrupt the donor or acceptor splice site typically lead to a loss of protein function (PMID: 16199547), and loss-of-function variants in DEPDC5 are known to be pathogenic (PMID: 23542697, 23542701). This variant is present in population databases (no rsID available, gnomAD 0.0009%). Disruption of this splice site has been observed in individual(s) with DEPDC5-related conditions (PMID: 31440721). ClinVar contains an entry for this variant (Variation ID: 566892). Algorithms developed to predict the effect of sequence changes on RNA splicing suggest that this variant may disrupt the consensus splice site. In summary, the currently available evidence indicates that the variant is pathogenic, but additional data are needed to prove that conclusively. Therefore, this variant has been classified as Likely Pathogenic.

Literature cited by the submitters: PubMed 30093711 (cited by Victorian Clinical Genetics Services, Murdoch Childrens Research Institute); PubMed 37595579 (cited by Victorian Clinical Genetics Services, Murdoch Childrens Research Institute); PubMed 30767899 (cited by Victorian Clinical Genetics Services, Murdoch Childrens Research Institute); PubMed 27066554 (cited by Victorian Clinical Genetics Services, Murdoch Childrens Research Institute); PubMed 31440721 (cited by Victorian Clinical Genetics Services, Murdoch Childrens Research Institute and Labcorp Genetics (formerly Invitae), Labcorp); PubMed 32848577 (cited by Victorian Clinical Genetics Services, Murdoch Childrens Research Institute); PubMed 16199547 (cited by Labcorp Genetics (formerly Invitae), Labcorp); PubMed 23542697 (cited by Labcorp Genetics (formerly Invitae), Labcorp); PubMed 23542701 (cited by Labcorp Genetics (formerly Invitae), Labcorp).